The following is an entry in ClinVar:

NM_172364.5(CACNA2D4):c.154G>A (p.Ala52Thr)

Gene: CACNA2D4 (calcium voltage-gated channel auxiliary subunit alpha2delta 4; minus strand). Cytogenetic location: 12p13.33.
Variant type: single nucleotide variant.
Coding change: c.154G>A on transcript NM_172364.5 (MANE Select); coding-DNA position 154, G replaced by A.
Protein change: p.Ala52Thr; replaces alanine 52 with threonine.
Molecular consequence: missense variant.
Genome position (GRCh38, 1-based): chr12:1,918,320, C>T on the plus strand (G>A on the coding strand, the complement: CACNA2D4 is on the minus strand). VCF-style: chr12-1918320-C-T. GRCh37 (hg19) VCF-style: chr12-2027486-C-T.
Other names: short protein forms A52T.
Identifiers: ClinVar variation 2194891 (VCV002194891.4), dbSNP rs372315441, ClinGen allele CA6387665.

ClinVar aggregate classification (germline): Uncertain significance (1 of 4 stars; one submission).

Allele frequency attached by ClinVar (database versions not stated): TOPMed 0.00001; gnomAD 0.00002; ESP Exome Variant Server 0.00008.

Submission:

Labcorp Genetics (formerly Invitae), Labcorp
Classification: Uncertain significance. Last evaluated: 2023-08-02. Review status: criteria provided, single submitter. Criteria: Invitae Variant Classification Sherloc (09022015). Collection method: clinical testing. Allele origin: germline.
Comment: In summary, the available evidence is currently insufficient to determine the role of this variant in disease. Therefore, it has been classified as a Variant of Uncertain Significance. An algorithm developed to predict the effect of missense changes on protein structure and function (PolyPhen-2) suggests that this variant is likely to be tolerated. ClinVar contains an entry for this variant (Variation ID: 2194891). This variant has not been reported in the literature in individuals affected with CACNA2D4-related conditions. This variant is present in population databases (rs372315441, gnomAD 0.004%). This sequence change replaces alanine, which is neutral and non-polar, with threonine, which is neutral and polar, at codon 52 of the CACNA2D4 protein (p.Ala52Thr).